The following is an entry in ClinVar:

ClinVar aggregate classification (germline): Uncertain significance (1 of 4 stars; one submission).

Conditions:
Lambdoidal craniosynostosis. Identifiers: MedGen C1833340, HP:0004443.

Submission:

Victorian Clinical Genetics Services, Murdoch Childrens Research Institute
Classification: Uncertain significance for Craniosynostosis 4. Last evaluated: 2024-10-10. Review status: criteria provided, single submitter. Criteria: ACMG Guidelines, 2015. Collection method: clinical testing. Allele origin: germline. Inheritance: Autosomal dominant inheritance. Affected: yes.
Comment: Based on the classification scheme VCGS_Germline_v1.3.4, this variant is classified as VUS-3A. Following criteria are met: 0102 - Loss of function is a known mechanism of disease in this gene and is associated with craniosynostosis 4 (MIM#600775). A single recurring missense variant has been reported to cause Chitayat syndrome (MIM#617180), where the mechanism is unclear (PMID: 27738187). (I) 0107 - This gene is associated with autosomal dominant disease. (I) 0115 - Variants in this gene are known to have variable expressivity, with intrafamilial variability reported for craniosynostosis (PMID: 35852485). (I) 0200 - Variant is predicted to result in a missense amino acid change from methionine to lysine. (I) 0219 - This variant results in the loss of the translation initiation codon (start-loss) in all alternative transcripts. Start-losses in the canonical transcript have been reported as pathogenic, however these are not comparable variants (PMID: 23354439, ClinVar). (I) 0251 - This variant is heterozygous. (I) 0301 - Variant is absent from gnomAD (both v2 and v3). (SP) 0502 - Missense variant with conflicting in silico predictions and uninformative conservation. (I) 0600 - Variant is located in the annotated Ets domain (DECIPHER). (I) 0710 - Another missense variant comparable to the one identified in this case has inconclusive previous evidence for pathogenicity. This alternative change (p.(Met76Val)) was maternally inherited in an individual with craniosynostosis, and classified as a VUS (ClinVar). (I) 0807 - This variant has no previous evidence of pathogenicity. (I) 0905 - No published segregation evidence has been identified for this variant. (I) 1007 - No published functional evidence has been identified for this variant. (I) 1102 - Strong phenotype match for this individual. (SP) 1208 - Inheritance information for this variant is not currently available in this individual. (I) Legend: (SP) - Supporting pathogenic, (I) - Information, (SB) - Supporting benign

Literature cited by the submitters: PubMed 23354439; PubMed 27738187; PubMed 35852485.

NM_006494.4(ERF):c.227T>A (p.Met76Lys)

Gene: ERF (ETS2 repressor factor; minus strand). Cytogenetic location: 19q13.2.
Variant type: single nucleotide variant.
Coding change: c.227T>A on transcript NM_006494.4 (MANE Select); coding-DNA position 227, T replaced by A.
Protein change: p.Met76Lys; replaces methionine 76 with lysine.
Molecular consequence: missense variant. On other transcripts: initiator codon variant (3).
Genome position (GRCh38, 1-based): chr19:42,250,361, A>T on the plus strand (T>A on the coding strand, the complement: ERF is on the minus strand). VCF-style: chr19-42250361-A-T. GRCh37 (hg19) VCF-style: chr19-42754513-A-T.
Other names: c.2T>A, p.Met1Lys (NM_001301035.2, NM_001308402.2, NM_001312656.2); short protein forms M1K, M76K.
Identifiers: ClinVar variation 3255124 (VCV003255124.2), dbSNP rs2513525494.